The following is an entry in ClinVar:

ClinVar aggregate classification (germline): Uncertain significance (1 of 4 stars; one submission).

Submission:

CeGaT Center for Human Genetics Tuebingen
Classification: Uncertain significance. Last evaluated: 2023-05-01. Review status: criteria provided, single submitter. Criteria: CeGaT Center For Human Genetics Tuebingen Variant Classification Criteria Version 2. Collection method: clinical testing. Allele origin: germline. Affected: yes. Observed: 1 variant allele.
Comment: PHIP: PM2, PP2

NM_017934.7(PHIP):c.2428G>A (p.Glu810Lys)

Gene: PHIP (PHIP subunit of CUL4-Ring ligase complex; minus strand). Cytogenetic location: 6q14.1.
Variant type: single nucleotide variant.
Coding change: c.2428G>A on transcript NM_017934.7 (MANE Select); coding-DNA position 2428, G replaced by A.
Protein change: p.Glu810Lys; replaces glutamic acid 810 with lysine.
Molecular consequence: missense variant.
Genome position (GRCh38, 1-based): chr6:78,988,241, C>T on the plus strand (G>A on the coding strand, the complement: PHIP is on the minus strand). VCF-style: chr6-78988241-C-T. GRCh37 (hg19) VCF-style: chr6-79697958-C-T.
Other names: short protein forms E810K.
Identifiers: ClinVar variation 2571254 (VCV002571254.27), dbSNP rs2481990163, ClinGen allele CA364650667.
Genomic context (GRCh38, chr6:78,988,241, plus strand): 5'-CTAATTTATGAATGTGCTGATATCTTACATCTGAAGAACTACTGCCATTTTCTATCTCTT[C>T]TGAGGGTCTAGGAGTCTCTTCCAATGCAGATCTTGTACGATAATTGTGTTGATTTGTCTG-3'
Protein context (NP_060404.4, residues 800-820): SALEETPRPS[Glu810Lys]EIENGSSSSD